The following is an entry in ClinVar:

NM_012144.4(DNAI1):c.741G>T (p.Lys247Asn)

Gene: DNAI1 (dynein axonemal intermediate chain 1; plus strand). Cytogenetic location: 9p13.3.
Variant type: single nucleotide variant.
Coding change: c.741G>T on transcript NM_012144.4 (MANE Select); coding-DNA position 741, G replaced by T.
Protein change: p.Lys247Asn; replaces lysine 247 with asparagine.
Molecular consequence: missense variant.
Genome position (GRCh38, 1-based): chr9:34,493,253, G>T. VCF-style: chr9-34493253-G-T. GRCh37 (hg19) VCF-style: chr9-34493251-G-T.
Other names: c.753G>T, p.Lys251Asn (NM_001281428.2); short protein forms K247N, K251N.
Identifiers: ClinVar variation 1470137 (VCV001470137.6), dbSNP rs562408105, ClinGen allele CA373249187.

ClinVar aggregate classification (germline): Uncertain significance (1 of 4 stars; one submission).

Conditions:
Primary ciliary dyskinesia. Also called: Ciliary dyskinesia. Identifiers: Orphanet 244, MedGen C0008780, MONDO:0016575, HP:0012265.

Submission:

Labcorp Genetics (formerly Invitae), Labcorp
Classification: Uncertain significance for Primary ciliary dyskinesia. Last evaluated: 2024-08-30. Review status: criteria provided, single submitter. Criteria: Invitae Variant Classification Sherloc (09022015). Collection method: clinical testing. Allele origin: germline.
Comment: This sequence change replaces lysine, which is basic and polar, with asparagine, which is neutral and polar, at codon 247 of the DNAI1 protein (p.Lys247Asn). This variant is not present in population databases (gnomAD no frequency). This variant has not been reported in the literature in individuals affected with DNAI1-related conditions. ClinVar contains an entry for this variant (Variation ID: 1470137). Invitae Evidence Modeling of protein sequence and biophysical properties (such as structural, functional, and spatial information, amino acid conservation, physicochemical variation, residue mobility, and thermodynamic stability) has been performed for this missense variant. However, the output from this modeling did not meet the statistical confidence thresholds required to predict the impact of this variant on DNAI1 protein function. In summary, the available evidence is currently insufficient to determine the role of this variant in disease. Therefore, it has been classified as a Variant of Uncertain Significance.